The following is an entry in ClinVar:

NM_198060.4(NRAP):c.4010T>C (p.Met1337Thr)

Gene: NRAP (nebulin related anchoring protein; minus strand). Cytogenetic location: 10q25.3.
Variant type: single nucleotide variant.
Coding change: c.4010T>C on transcript NM_198060.4 (MANE Select); coding-DNA position 4010, T replaced by C.
Protein change: p.Met1337Thr; replaces methionine 1337 with threonine.
Molecular consequence: missense variant.
Genome position (GRCh38, 1-based): chr10:113,604,826, A>G on the plus strand (T>C on the coding strand, the complement: NRAP is on the minus strand). VCF-style: chr10-113604826-A-G. GRCh37 (hg19) VCF-style: chr10-115364585-A-G.
Other names: c.4010T>C, p.Met1337Thr (NM_001261463.2); c.3902T>C, p.Met1301Thr (NM_001322945.2); c.3905T>C, p.Met1302Thr (NM_006175.5); c.4010T>C (NM_001261463.1, NM_198060.3); short protein forms M1301T, M1302T, M1337T.
Identifiers: ClinVar variation 2640848 (VCV002640848.26), dbSNP rs45438894, ClinGen allele CA5694562.

ClinVar aggregate classification (germline): Likely benign. Review status: criteria provided, multiple submitters, no conflicts (2 of 4 stars). 3 submissions from 3 submitters: Likely benign (2). 1 of the submissions does not count toward it. Last evaluated 2025-04-09.

Conditions:
NRAP-related disorder. Also called: NRAP-related condition.

Allele frequency attached by ClinVar (database versions not stated): 1000 Genomes Project 0.00240; 1000 Genomes Project 30x 0.00281; TOPMed 0.00436; gnomAD 0.00441; ExAC 0.00446; ESP Exome Variant Server 0.00477; gnomAD exomes 0.00657.

Submissions (3):

Molecular Diagnostic Laboratory for Inherited Cardiovascular Disease, Montreal Heart Institute
Classification: Likely benign. Last evaluated: 2025-04-09. Review status: criteria provided, single submitter. Criteria: ACMG Guidelines, 2015. Collection method: clinical testing. Allele origin: germline. Affected: no.
Comment: BP4, BP6

CeGaT Center for Human Genetics Tuebingen
Classification: Likely benign. Last evaluated: 2024-12-01. Review status: criteria provided, single submitter. Criteria: CeGaT Center For Human Genetics Tuebingen Variant Classification Criteria Version 2. Collection method: clinical testing. Allele origin: germline. Affected: yes. Observed: 5 variant alleles.
Comment: NRAP: BP4, BS2

PreventionGenetics, part of Exact Sciences
Classification: Benign for NRAP-related condition. Last evaluated: 2019-05-10. Review status: no assertion criteria provided. Collection method: clinical testing. Allele origin: germline. Not counted in ClinVar's aggregate classification.
Comment: This variant is classified as benign based on ACMG/AMP sequence variant interpretation guidelines (Richards et al. 2015 PMID: 25741868, with internal and published modifications).